The following is an entry in ClinVar:

NM_001267550.2(TTN):c.8902+14_8902+16delinsA

Gene: TTN (titin; minus strand). Cytogenetic location: 2q31.2.
Variant type: Indel.
Coding change: c.8902+14_8902+16delinsA on transcript NM_001267550.2 (MANE Select); bases 14 to 16 of the intron after coding-DNA position 8902, TAT replaced by A.
Molecular consequence: intron variant.
Genome position (GRCh38, 1-based): chr2:178,769,663-178,769,665, ATA replaced by T on the plus strand (TAT replaced by A on the coding strand, the reverse complement: TTN is on the minus strand). VCF-style: chr2-178769663-ATA-T. GRCh37 (hg19) VCF-style: chr2-179634390-ATA-T.
Other names: c.8902+14_8902+16delinsA (NM_133378.4, NM_001256850.1, NM_133379.5); c.8764+14_8764+16delinsA (NM_003319.4, NM_133437.4, NM_133432.3); c.8902+14_8902+16delTATinsA (NM_133378.4).
Identifiers: ClinVar variation 167803 (VCV000167803.8), dbSNP rs786200994, ClinGen allele CA180468.

ClinVar aggregate classification (germline): Benign. Review status: criteria provided, multiple submitters, no conflicts (2 of 4 stars). 6 submissions from 3 submitters: Benign (6). Last evaluated 2021-09-10.

Conditions:
Autosomal recessive limb-girdle muscular dystrophy type 2J (LGMDR10). Also called: MUSCULAR DYSTROPHY, LIMB-GIRDLE, AUTOSOMAL RECESSIVE 10; Limb-girdle muscular dystrophy, type 2J. Identifiers: Orphanet 140922, MedGen C1837342, MONDO:0012127, OMIM 608807.
Early-onset myopathy with fatal cardiomyopathy (CMYO5). Also called: CONGENITAL MYOPATHY 5 WITH CARDIOMYOPATHY; Salih Myopathy. Identifiers: Orphanet 289377, MedGen C2673677, MONDO:0012714, OMIM 611705. Disease mechanism: loss of function.
Myopathy, myofibrillar, 9, with early respiratory failure (MFM9). Also called: Myopathy, distal, with early respiratory failure, autosomal dominant; EDSTROM MYOPATHY; MYOPATHY, PROXIMAL, WITH EARLY RESPIRATORY MUSCLE INVOLVEMENT; Hereditary myopathy with early respiratory failure. Identifiers: Orphanet 178464, Orphanet 34521, MedGen C1863599, MONDO:0011362, OMIM 603689.
Tibial muscular dystrophy (TMD). Also called: Tibial muscular dystrophy, tardive; Udd Distal Myopathy – Tibial Muscular Dystrophy; UDD MYOPATHY. Identifiers: Orphanet 609, MedGen C1838244, MONDO:0010870, OMIM 600334.

Submissions (6):

Genome-Nilou Lab
Classification: Benign for Autosomal recessive limb-girdle muscular dystrophy type 2J. Last evaluated: 2021-09-10. Review status: criteria provided, single submitter. Criteria: ACMG Guidelines, 2015. Collection method: clinical testing. Allele origin: germline. Affected: no.

Genome-Nilou Lab
Classification: Benign for Myopathy, myofibrillar, 9, with early respiratory failure. Last evaluated: 2021-09-10. Review status: criteria provided, single submitter. Criteria: ACMG Guidelines, 2015. Collection method: clinical testing. Allele origin: germline. Affected: no.

Genome-Nilou Lab
Classification: Benign for Early-onset myopathy with fatal cardiomyopathy. Last evaluated: 2021-09-10. Review status: criteria provided, single submitter. Criteria: ACMG Guidelines, 2015. Collection method: clinical testing. Allele origin: germline. Affected: no.

Genome-Nilou Lab
Classification: Benign for Tibial muscular dystrophy. Last evaluated: 2021-09-10. Review status: criteria provided, single submitter. Criteria: ACMG Guidelines, 2015. Collection method: clinical testing. Allele origin: germline. Affected: no.

Women's Health and Genetics/Laboratory Corporation of America, LabCorp
Classification: Benign. Last evaluated: 2019-09-03. Review status: criteria provided, single submitter. Criteria: LabCorp Variant Classification Summary - May 2015. Collection method: clinical testing. Allele origin: germline.
Comment: Variant summary: TTN c.8902+14_8902+16delinsA alters a nucleotide located close to a canonical splice site and therefore could affect mRNA splicing. 5/5 computational tools predict no significant impact on normal splicing. However, these predictions have yet to be confirmed by functional studies. The variant allele was found at a frequency of 0.049 in 261528 control chromosomes in the gnomAD database, including 1576 homozygotes. The observed variant frequency is approximately 79 fold of the estimated maximal expected allele frequency for a pathogenic variant in TTN causing Dilated Cardiomyopathy phenotype (0.00063), strongly suggesting that the variant is benign. No clinical diagnostic laboratories have submitted clinical-significance assessments for this variant to ClinVar after 2014. Based on the evidence outlined above, the variant was classified as benign.

Eurofins Ntd Llc (ga)
Classification: Benign. Last evaluated: 2014-01-27. Review status: criteria provided, single submitter. Criteria: EGL Classification Definitions 2015. Collection method: clinical testing. Allele origin: germline. Observed: 1 variant allele, 1 homozygote.